The following is an entry in ClinVar:

ClinVar aggregate classification (germline): Uncertain significance. Review status: criteria provided, multiple submitters, no conflicts (2 of 4 stars). 3 submissions from 3 submitters: Uncertain significance (3). Last evaluated 2025-03-10.

Conditions:
Inborn genetic diseases. Identifiers: MedGen C0950123, MeSH D030342.

Allele frequency attached by ClinVar (database versions not stated): gnomAD exomes 0.00003 and 0.00005; ExAC 0.00004; ESP Exome Variant Server 0.00008; gnomAD 0.00021; TOPMed 0.00025; 1000 Genomes Project 0.00060; 1000 Genomes Project 30x 0.00078.

Submissions (3):

Ambry Genetics
Classification: Uncertain significance for Inborn genetic diseases. Last evaluated: 2025-03-10. Review status: criteria provided, single submitter. Criteria: Ambry Variant Classification Scheme 2023. Collection method: clinical testing. Allele origin: germline.

Labcorp Genetics (formerly Invitae), Labcorp
Classification: Uncertain significance. Last evaluated: 2022-09-07. Review status: criteria provided, single submitter. Criteria: Invitae Variant Classification Sherloc (09022015). Collection method: clinical testing. Allele origin: germline.
Comment: This sequence change replaces arginine, which is basic and polar, with lysine, which is basic and polar, at codon 1568 of the GPR179 protein (p.Arg1568Lys). This variant is present in population databases (rs192420703, gnomAD 0.07%). This variant has not been reported in the literature in individuals affected with GPR179-related conditions. ClinVar contains an entry for this variant (Variation ID: 866144). Algorithms developed to predict the effect of missense changes on protein structure and function are either unavailable or do not agree on the potential impact of this missense change (SIFT: "Deleterious"; PolyPhen-2: "Benign"; Align-GVGD: "Class C0"). In summary, the available evidence is currently insufficient to determine the role of this variant in disease. Therefore, it has been classified as a Variant of Uncertain Significance.

Blueprint Genetics
Classification: Uncertain significance. Last evaluated: 2022-06-23. Review status: criteria provided, single submitter. Criteria: ACMG Guidelines, 2015. Collection method: clinical testing. Allele origin: germline.

NM_001004334.4(GPR179):c.4703G>A (p.Arg1568Lys)

Gene: GPR179 (G protein-coupled receptor 179; minus strand). Cytogenetic location: 17q12.
Variant type: single nucleotide variant.
Coding change: c.4703G>A on transcript NM_001004334.4 (MANE Select); coding-DNA position 4703, G replaced by A.
Protein change: p.Arg1568Lys; replaces arginine 1568 with lysine.
Molecular consequence: missense variant.
Genome position (GRCh38, 1-based): chr17:38,328,866, C>T on the plus strand (G>A on the coding strand, the complement: GPR179 is on the minus strand). VCF-style: chr17-38328866-C-T. GRCh37 (hg19) VCF-style: chr17-36484749-C-T.
Other names: short protein forms R1568K.
Identifiers: ClinVar variation 866144 (VCV000866144.7), dbSNP rs192420703, ClinGen allele CA290103970.